The following is an entry in ClinVar:

ClinVar aggregate classification (germline): Uncertain significance. Review status: criteria provided, multiple submitters, no conflicts (2 of 4 stars). 2 submissions from 2 submitters: Uncertain significance (2). Last evaluated 2023-10-03.

Conditions:
Muscular dystrophy-dystroglycanopathy (congenital with brain and eye anomalies), type a, 8 (MDDGA8). Also called: WALKER-WARBURG SYNDROME OR MUSCLE-EYE-BRAIN DISEASE, GTDC2-RELATED. Identifiers: Orphanet 899, MedGen C3553813, MONDO:0013904, OMIM 614830.

Allele frequency attached by ClinVar (database versions not stated): ExAC 0.00002; gnomAD 0.00003 and 0.00005; gnomAD exomes 0.00004 and 0.00008; TOPMed 0.00006; ESP Exome Variant Server 0.00008; 1000 Genomes Project 30x 0.00062; 1000 Genomes Project 0.00080.
gnomAD v4.1: 70 of 1,614,108 alleles (0.0043%); highest among the groups gnomAD compares: East Asian, 0.051%; no homozygotes.

Submissions (2):

Labcorp Genetics (formerly Invitae), Labcorp
Classification: Uncertain significance for Muscular dystrophy-dystroglycanopathy (congenital with brain and eye anomalies), type a, 8. Last evaluated: 2023-10-03. Review status: criteria provided, single submitter. Criteria: Invitae Variant Classification Sherloc (09022015). Collection method: clinical testing. Allele origin: germline.
Comment: This sequence change replaces aspartic acid, which is acidic and polar, with asparagine, which is neutral and polar, at codon 162 of the POMGNT2 protein (p.Asp162Asn). This variant is present in population databases (rs201407522, gnomAD 0.06%). This variant has not been reported in the literature in individuals affected with POMGNT2-related conditions. ClinVar contains an entry for this variant (Variation ID: 540493). Advanced modeling of protein sequence and biophysical properties (such as structural, functional, and spatial information, amino acid conservation, physicochemical variation, residue mobility, and thermodynamic stability) performed at Invitae indicates that this missense variant is not expected to disrupt POMGNT2 protein function. In summary, the available evidence is currently insufficient to determine the role of this variant in disease. Therefore, it has been classified as a Variant of Uncertain Significance.

GeneDx
Classification: Uncertain significance. Last evaluated: 2020-06-30. Review status: criteria provided, single submitter. Criteria: GeneDx Variant Classification Process June 2021. Collection method: clinical testing. Allele origin: germline. Affected: yes.
Comment: In silico analysis supports that this missense variant does not alter protein structure/function; Has not been previously published as pathogenic or benign to our knowledge

NM_032806.6(POMGNT2):c.484G>A (p.Asp162Asn)

Gene: POMGNT2 (protein O-linked mannose N-acetylglucosaminyltransferase 2 (beta 1,4-); minus strand). Cytogenetic location: 3p22.1.
Variant type: single nucleotide variant.
Coding change: c.484G>A on transcript NM_032806.6 (MANE Select); coding-DNA position 484, G replaced by A.
Protein change: p.Asp162Asn; replaces aspartic acid 162 with asparagine.
Molecular consequence: missense variant.
Genome position (GRCh38, 1-based): chr3:43,080,948, C>T on the plus strand (G>A on the coding strand, the complement: POMGNT2 is on the minus strand). VCF-style: chr3-43080948-C-T. GRCh37 (hg19) VCF-style: chr3-43122440-C-T.
Other names: short protein forms D162N.
Identifiers: ClinVar variation 540493 (VCV000540493.8), dbSNP rs201407522, ClinGen allele CA2340061.